The following is an entry in ClinVar:

ClinVar aggregate classification (germline): Uncertain significance (1 of 4 stars; one submission).

Allele frequency attached by ClinVar (database versions not stated): gnomAD exomes 0.00003; TOPMed 0.00003; gnomAD 0.00005; ExAC 0.00014.
gnomAD v4.1: 74 of 1,551,300 alleles (0.0048%); highest among the groups gnomAD compares: Non-Finnish European, 0.0062%; no homozygotes.

Submission:

Labcorp Genetics (formerly Invitae), Labcorp
Classification: Uncertain significance. Last evaluated: 2021-10-31. Review status: criteria provided, single submitter. Criteria: Invitae Variant Classification Sherloc (09022015). Collection method: clinical testing. Allele origin: germline.
Comment: This sequence change replaces proline, which is neutral and non-polar, with arginine, which is basic and polar, at codon 414 of the KPNA7 protein (p.Pro414Arg). This variant is present in population databases (rs762142648, gnomAD 0.008%). This variant has not been reported in the literature in individuals affected with KPNA7-related conditions. ClinVar contains an entry for this variant (Variation ID: 661346). Algorithms developed to predict the effect of missense changes on protein structure and function (SIFT, PolyPhen-2, Align-GVGD) all suggest that this variant is likely to be disruptive. In summary, the available evidence is currently insufficient to determine the role of this variant in disease. Therefore, it has been classified as a Variant of Uncertain Significance.

NM_001145715.3(KPNA7):c.1241C>G (p.Pro414Arg)

Gene: KPNA7 (karyopherin subunit alpha 7; minus strand). Cytogenetic location: 7q22.1.
Variant type: single nucleotide variant.
Coding change: c.1241C>G on transcript NM_001145715.3 (MANE Select); coding-DNA position 1241, C replaced by G.
Protein change: p.Pro414Arg; replaces proline 414 with arginine.
Molecular consequence: missense variant.
Genome position (GRCh38, 1-based): chr7:99,181,959, G>C on the plus strand (C>G on the coding strand, the complement: KPNA7 is on the minus strand). VCF-style: chr7-99181959-G-C. GRCh37 (hg19) VCF-style: chr7-98779582-G-C.
Other names: short protein forms P414R.
Identifiers: ClinVar variation 661346 (VCV000661346.4), dbSNP rs762142648, ClinGen allele CA4363125.